The following is an entry in ClinVar:

ClinVar aggregate classification (germline): Conflicting classifications of pathogenicity. Review status: criteria provided, conflicting classifications (1 of 4 stars). 3 submissions from 3 submitters: Uncertain significance (2); Likely benign (1). Last evaluated 2026-01-19.

Conditions:
DSP-related disorder. Also called: DSP-related condition; DSP-related disorders.
Arrhythmogenic right ventricular dysplasia 8 (ARVD8). Also called: Arrhythmogenic Right Ventricular Dysplasia/Cardiomyopathy 8; ARRHYTHMOGENIC RIGHT VENTRICULAR DYSPLASIA, FAMILIAL, 8; ARRHYTHMOGENIC RIGHT VENTRICULAR CARDIOMYOPATHY 8. Identifiers: MedGen C1843896, MONDO:0011831, OMIM 607450.
Arrhythmogenic cardiomyopathy with wooly hair and keratoderma. Also called: PALMOPLANTAR KERATODERMA WITH LEFT VENTRICULAR CARDIOMYOPATHY AND WOOLLY HAIR; Dilated cardiomyopathy with woolly hair and keratoderma; Arrhythmogenic cardiomyopathy with woolly hair and keratoderma; Carvajal syndrome. Identifiers: Orphanet 65282, MedGen C1854063, MONDO:0011581, OMIM 605676.

gnomAD v4.1: 4 of 1,614,186 alleles (0.00025%); highest among the groups gnomAD compares: Admixed American, 0.0067%; no homozygotes.

Submissions (3):

Labcorp Genetics (formerly Invitae), Labcorp
Classification: Likely benign for Arrhythmogenic cardiomyopathy with wooly hair and keratoderma; Arrhythmogenic right ventricular dysplasia 8. Last evaluated: 2026-01-19. Review status: criteria provided, single submitter. Criteria: Invitae Variant Classification Sherloc (09022015). Collection method: clinical testing. Allele origin: germline.

All of Us Research Program, National Institutes of Health
Classification: Uncertain significance for Arrhythmogenic cardiomyopathy with wooly hair and keratoderma. Last evaluated: 2024-03-05. Review status: criteria provided, single submitter. Criteria: ACMG Guidelines, 2015. Collection method: clinical testing. Allele origin: germline. Inheritance: Autosomal dominant inheritance. Observed: 1 variant allele, 1 heterozygote.
Comment: This study involves interpretation of variants in research participants for the purpose of population health screening. Participant phenotype was not available at the time of variant classification. Additional details can be found in publication PMID: 35346344, PMCID: PMC8962531

PreventionGenetics, part of Exact Sciences
Classification: Uncertain significance for DSP-related condition. Last evaluated: 2023-01-30. Review status: criteria provided, single submitter. Criteria: ACMG Guidelines, 2015. Collection method: clinical testing. Allele origin: germline.
Comment: The DSP c.7648G>C variant is predicted to result in the amino acid substitution p.Gly2550Arg. To our knowledge, this variant has not been reported in the literature. This variant is reported in 0.012% of alleles in individuals of Latino descent in gnomAD. At this time, the clinical significance of this variant is uncertain due to the absence of conclusive functional and genetic evidence.

NM_004415.4(DSP):c.7648G>C (p.Gly2550Arg)

Gene: DSP (desmoplakin; plus strand). Cytogenetic location: 6p24.3.
Variant type: single nucleotide variant.
Coding change: c.7648G>C on transcript NM_004415.4 (MANE Select); coding-DNA position 7648, G replaced by C.
Protein change: p.Gly2550Arg; replaces glycine 2550 with arginine.
Molecular consequence: missense variant.
Genome position (GRCh38, 1-based): chr6:7,584,910, G>C. VCF-style: chr6-7584910-G-C. GRCh37 (hg19) VCF-style: chr6-7585143-G-C.
Other names: c.5851G>C, p.Gly1951Arg (NM_001008844.3); c.6319G>C, p.Gly2107Arg (NM_001319034.2); c.7648G>C (NM_004415.3); short protein forms G1951R, G2550R, G2107R.
Identifiers: ClinVar variation 1394420 (VCV001394420.10), dbSNP rs781151826, ClinGen allele CA050364.